The following is an entry in ClinVar:

ClinVar aggregate classification (germline): Uncertain significance (1 of 4 stars; one submission).

Conditions:
Neuropathy, hereditary sensory and autonomic, type 2A (HSAN2A). Also called: ACROOSTEOLYSIS, GIACCAI TYPE; ACROOSTEOLYSIS, NEUROGENIC; MORVAN DISEASE; NEUROPATHY, CONGENITAL SENSORY; NEUROPATHY, HEREDITARY SENSORY RADICULAR, AUTOSOMAL RECESSIVE; NEUROPATHY, HEREDITARY SENSORY, TYPE IIA. Identifiers: Orphanet 970, MedGen C2752089, MONDO:0024309, OMIM 201300.
Pseudohypoaldosteronism type 2C (PHA2C). Also called: Pseudohypoaldosteronism Type IIC. Identifiers: Orphanet 757, Orphanet 88940, MedGen C1840391, MONDO:0013778, OMIM 614492.

Allele frequency attached by ClinVar (database versions not stated): gnomAD exomes below 0.00001; TOPMed 0.00001.
gnomAD v4.1: 2 of 1,614,188 alleles (0.00012%); highest among the groups gnomAD compares: African/African-American, 0.0027%; no homozygotes.

Submission:

Labcorp Genetics (formerly Invitae), Labcorp
Classification: Uncertain significance for Neuropathy, hereditary sensory and autonomic, type 2A; Pseudohypoaldosteronism type 2C. Last evaluated: 2022-04-02. Review status: criteria provided, single submitter. Criteria: Invitae Variant Classification Sherloc (09022015). Collection method: clinical testing. Allele origin: germline.
Comment: This variant has not been reported in the literature in individuals affected with WNK1-related conditions. In summary, the available evidence is currently insufficient to determine the role of this variant in disease. Therefore, it has been classified as a Variant of Uncertain Significance. Advanced modeling of protein sequence and biophysical properties (such as structural, functional, and spatial information, amino acid conservation, physicochemical variation, residue mobility, and thermodynamic stability) performed at Invitae indicates that this missense variant is not expected to disrupt WNK1 protein function. This variant is not present in population databases (gnomAD no frequency). This sequence change replaces threonine, which is neutral and polar, with alanine, which is neutral and non-polar, at codon 1669 of the WNK1 protein (p.Thr1669Ala).

NM_018979.4(WNK1):c.4249A>G (p.Thr1417Ala)

Gene: WNK1 (WNK lysine deficient protein kinase 1; plus strand). Cytogenetic location: 12p13.33.
Variant type: single nucleotide variant.
Coding change: c.4249A>G on transcript NM_018979.4 (MANE Select); coding-DNA position 4249, A replaced by G.
Protein change: p.Thr1417Ala; replaces threonine 1417 with alanine.
Molecular consequence: missense variant.
Genome position (GRCh38, 1-based): chr12:885,053, A>G. VCF-style: chr12-885053-A-G. GRCh37 (hg19) VCF-style: chr12-994219-A-G.
Other names: c.5029A>G, p.Thr1677Ala (NM_001184985.2); c.3508A>G, p.Thr1170Ala (NM_014823.3); c.5005A>G, p.Thr1669Ala (NM_213655.5); short protein forms T1170A, T1417A, T1669A, T1677A.
Identifiers: ClinVar variation 2419062 (VCV002419062.6), dbSNP rs1953528668, ClinGen allele CA383330861.